The following is an entry in ClinVar:

NM_000080.4(CHRNE):c.750_751del (p.Val252fs)

Genes: C17orf107 (chromosome 17 open reading frame 107; plus strand), CHRNE (cholinergic receptor nicotinic epsilon subunit; minus strand). Cytogenetic location: 17p13.2.
Variant type: Deletion.
Coding change: c.750_751del on transcript NM_000080.4 (MANE Select); coding-DNA positions 750 to 751, 2 bases deleted (CT; older notation c.750_751delCT).
Protein change: p.Val252fs; shifts the reading frame from valine 252.
Molecular consequence: frameshift variant. On other transcripts: 3 prime UTR variant (1).
Genome position (GRCh38, 1-based): chr17:4,901,041-4,901,042, AG deleted on the plus strand (CT on the coding strand, the reverse complement: CHRNE is on the minus strand). VCF-style (leftmost placement, unchanged base first): chr17-4901040-CAG-C. GRCh37 (hg19) VCF-style: chr17-4804335-CAG-C.
Other names: c.*508_*509del (NM_001145536.2); short protein forms V252fs.
Identifiers: ClinVar variation 2046867 (VCV002046867.4), dbSNP rs2507554331, ClinGen allele CA2580093557.
Genomic context (GRCh38, chr17:4,901,040, plus strand): 5'-CACTGCTTACCCTGCGCCGGCAGGAAGTAGGCGAGCAGCACCAGGCCCGAGATGAGCACA[CAG>C]GGCACGATGATGTTAATGACGTAGAAGAGCGGCTTCCGGCGGATGATGAGCGAGTAGATG-3'

ClinVar aggregate classification (germline): Pathogenic (1 of 4 stars; one submission).

Conditions:
Congenital myasthenic syndrome 4A. Also called: Myasthenic syndrome, congenital, 4a, slow-channel; MYASTHENIC SYNDROME, CONGENITAL, 4A, SLOW-CHANNEL, AUTOSOMAL RECESSIVE; CONGENITAL MYASTHENIC SYNDROME TYPE Ia1. Identifiers: Orphanet 590, MedGen C4225413, MONDO:0011600, OMIM 605809.

Submission:

Labcorp Genetics (formerly Invitae), Labcorp
Classification: Pathogenic for Congenital myasthenic syndrome 4A. Last evaluated: 2021-12-18. Review status: criteria provided, single submitter. Criteria: Invitae Variant Classification Sherloc (09022015). Collection method: clinical testing. Allele origin: germline.
Comment: This sequence change creates a premature translational stop signal (p.Val252Alafs*144) in the CHRNE gene. It is expected to result in an absent or disrupted protein product. Loss-of-function variants in CHRNE are known to be pathogenic (PMID: 22678886). This variant is not present in population databases (gnomAD no frequency). This variant has not been reported in the literature in individuals affected with CHRNE-related conditions. For these reasons, this variant has been classified as Pathogenic.

Literature cited by the submitters: PubMed 22678886.